The following is an entry in ClinVar:

NM_000455.5(STK11):c.345T>C (p.Asp115=)

Gene: STK11 (serine/threonine kinase 11; plus strand). Cytogenetic location: 19p13.3.
Variant type: single nucleotide variant.
Coding change: c.345T>C on transcript NM_000455.5 (MANE Select); coding-DNA position 345, T replaced by C.
Protein change: p.Asp115=; no amino-acid change (aspartic acid 115 retained).
Molecular consequence: synonymous variant.
Genome position (GRCh38, 1-based): chr19:1,218,471, T>C. VCF-style: chr19-1218471-T-C. GRCh37 (hg19) VCF-style: chr19-1218470-T-C.
Identifiers: ClinVar variation 1162090 (VCV001162090.16), dbSNP rs2145420737, ClinGen allele CA504706565.
Genomic context (GRCh38, chr19:1,218,471, plus strand): 5'-TCCCAGGGAAATTCAACTACTGAGGAGGTTACGGCACAAAAATGTCATCCAGCTGGTGGA[T>C]GTGTTATACAACGAAGAGAAGCAGAAAATATATCCTTTCCGGTGTTGGGACCGCGGGGCC-3'
Protein context (NP_000446.1, residues 105-125): LRHKNVIQLV[Asp115=]VLYNEEKQKM

ClinVar aggregate classification (germline): Conflicting classifications of pathogenicity. Review status: criteria provided, conflicting classifications (1 of 4 stars). 5 submissions from 5 submitters: Uncertain significance (2); Benign (1); Likely benign (2). Last evaluated 2025-12-28.

Conditions:
Hereditary cancer-predisposing syndrome. Also called: Neoplastic Syndromes, Hereditary; Hereditary Cancer Syndrome; Hereditary neoplastic syndrome; Tumor predisposition. Identifiers: Orphanet 140162, MedGen C0027672, MeSH D009386, MONDO:0015356.
Peutz-Jeghers syndrome (PJS). Also called: POLYPOSIS, HAMARTOMATOUS INTESTINAL; POLYPS-AND-SPOTS SYNDROME; Peutz-Jeghers polyposis; Periorificial lentiginosis syndrome. Identifiers: Orphanet 2869, MedGen C0031269, MeSH D010580, MONDO:0008280, OMIM 175200.

Submissions (5):

Labcorp Genetics (formerly Invitae), Labcorp
Classification: Likely benign for Peutz-Jeghers syndrome. Last evaluated: 2025-12-28. Review status: criteria provided, single submitter. Criteria: Invitae Variant Classification Sherloc (09022015). Collection method: clinical testing. Allele origin: germline.

Myriad Genetics, Inc.
Classification: Benign for Peutz-Jeghers syndrome. Last evaluated: 2025-03-25. Review status: criteria provided, single submitter. Criteria: Myriad Autosomal Dominant, Autosomal Recessive and X-Linked Classification Criteria (2023). Collection method: clinical testing. Allele origin: unknown.
Comment: This variant is considered benign. This variant is a silent/synonymous amino acid change and it is not expected to impact splicing.

Genome-Nilou Lab
Classification: Uncertain significance for Peutz-Jeghers syndrome. Last evaluated: 2021-07-15. Review status: criteria provided, single submitter. Criteria: ACMG Guidelines, 2015. Collection method: clinical testing. Allele origin: germline. Affected: no.

GeneDx
Classification: Uncertain significance. Last evaluated: 2021-06-28. Review status: criteria provided, single submitter. Criteria: GeneDx Variant Classification Process June 2021. Collection method: clinical testing. Allele origin: germline. Affected: yes.
Comment: Not observed at significant frequency in large population cohorts (Lek 2016); Has not been previously published as pathogenic or benign to our knowledge; In-silico analysis is inconclusive as to whether the variant alters gene splicing. In the absence of RNA/functional studies, the actual effect of this sequence change is unknown.; This variant is associated with the following publications: (PMID: 27535533)

Ambry Genetics
Classification: Likely benign for Hereditary cancer-predisposing syndrome. Last evaluated: 2020-10-13. Review status: criteria provided, single submitter. Criteria: Ambry Variant Classification Scheme 2023. Collection method: clinical testing. Allele origin: germline.